The following is an entry in ClinVar:

ClinVar aggregate classification (germline): Uncertain significance. Review status: criteria provided, multiple submitters, no conflicts (2 of 4 stars). 6 submissions from 6 submitters: Uncertain significance (6). Last evaluated 2026-09-24.

Conditions:
WNK1-related disorder. Also called: WNK1-related condition.
Inborn genetic diseases. Identifiers: MedGen C0950123, MeSH D030342.
Pseudohypoaldosteronism type 2C (PHA2C). Also called: Pseudohypoaldosteronism Type IIC. Identifiers: Orphanet 757, Orphanet 88940, MedGen C1840391, MONDO:0013778, OMIM 614492.
Neuropathy, hereditary sensory and autonomic, type 2A (HSAN2A). Also called: ACROOSTEOLYSIS, GIACCAI TYPE; ACROOSTEOLYSIS, NEUROGENIC; WNK1-Related HSAN2 (HSAN2A); MORVAN DISEASE; NEUROPATHY, CONGENITAL SENSORY; NEUROPATHY, HEREDITARY SENSORY RADICULAR, AUTOSOMAL RECESSIVE. Identifiers: Orphanet 970, MedGen C2752089, MONDO:0024309, OMIM 201300.

Allele frequency attached by ClinVar (database versions not stated): gnomAD 0.00006; TOPMed 0.00007; gnomAD exomes 0.00008 and 0.00015; ExAC 0.00019.
gnomAD v4.1: 125 of 1,614,144 alleles (0.0077%); highest among the groups gnomAD compares: East Asian, 0.094%; no homozygotes.

Submissions (6):

PreventionGenetics, part of Exact Sciences
Classification: Uncertain significance for WNK1-related condition. Last evaluated: 2026-09-24. Review status: criteria provided, single submitter. Criteria: ACMG Guidelines, 2015. Collection method: clinical testing. Allele origin: germline.
Comment: The WNK1 c.5870G>A variant is predicted to result in the amino acid substitution p.Arg1957His. This variant was reported in the heterozygous state in an individual with distal renal tubular acidosis (dRTA; Zhou et al. 2018. PubMed ID: 31949730). This variant is alternatively referred to as NM_001184985:c.6650G>A (p.Arg2217His) in the literature. This variant is reported in 0.18% of alleles in individuals of East Asian descent in gnomAD. Although we suspect that this variant may be benign, its clinical significance is classified as uncertain due to the absence of conclusive functional and genetic evidence.

Labcorp Genetics (formerly Invitae), Labcorp
Classification: Uncertain significance for Neuropathy, hereditary sensory and autonomic, type 2A; Pseudohypoaldosteronism type 2C. Last evaluated: 2026-01-24. Review status: criteria provided, single submitter. Criteria: Invitae Variant Classification Sherloc (09022015). Collection method: clinical testing. Allele origin: germline.
Comment: This sequence change replaces arginine, which is basic and polar, with histidine, which is basic and polar, at codon 2209 of the WNK1 protein (p.Arg2209His). This variant is present in population databases (rs36083875, gnomAD 0.2%). This missense change has been observed in individual(s) with primary distal renal tubular acidosis (PMID: 31949730). This variant is also known as p.R2217H. ClinVar contains an entry for this variant (Variation ID: 1425956). Experimental studies and prediction algorithms are not available or were not evaluated, and the functional significance of this variant is currently unknown. In summary, the available evidence is currently insufficient to determine the role of this variant in disease. Therefore, it has been classified as a Variant of Uncertain Significance.

Mayo Clinic Laboratories, Mayo Clinic
Classification: Uncertain significance. Last evaluated: 2024-01-19. Review status: criteria provided, single submitter. Criteria: ACMG Guidelines, 2015. Collection method: clinical testing. Allele origin: germline. Observed: 1 variant allele.
Comment: BS1

Department of Pathology and Laboratory Medicine, Sinai Health System
Classification: Uncertain significance for Neuropathy, hereditary sensory and autonomic, type 2A; Pseudohypoaldosteronism type 2C. Last evaluated: 2022-06-03. Review status: criteria provided, single submitter. Criteria: ACMG Guidelines, 2015. Collection method: research. Allele origin: germline.

Ambry Genetics
Classification: Uncertain significance for Inborn genetic diseases. Last evaluated: 2022-03-27. Review status: criteria provided, single submitter. Criteria: Ambry Variant Classification Scheme 2023. Collection method: clinical testing. Allele origin: germline.
Comment: The p.R2209H variant (also known as c.6626G>A), located in coding exon 24 of the WNK1 gene, results from a G to A substitution at nucleotide position 6626. The arginine at codon 2209 is replaced by histidine, an amino acid with highly similar properties. This amino acid position is highly conserved in available vertebrate species. In addition, this alteration is predicted to be deleterious by in silico analysis. Since supporting evidence is limited at this time, the clinical significance of this alteration remains unclear.

Fulgent Genetics
Classification: Uncertain significance for Neuropathy, hereditary sensory and autonomic, type 2A; Pseudohypoaldosteronism type 2C. Last evaluated: 2022-03-22. Review status: criteria provided, single submitter. Criteria: ACMG Guidelines, 2015. Collection method: clinical testing. Allele origin: unknown.

Literature cited by the submitters: PubMed 31949730 (cited by Labcorp Genetics (formerly Invitae), Labcorp and Mayo Clinic Laboratories, Mayo Clinic).

NM_018979.4(WNK1):c.5870G>A (p.Arg1957His)

Gene: WNK1 (WNK lysine deficient protein kinase 1; plus strand). Cytogenetic location: 12p13.33.
Variant type: single nucleotide variant.
Coding change: c.5870G>A on transcript NM_018979.4 (MANE Select); coding-DNA position 5870, G replaced by A.
Protein change: p.Arg1957His; replaces arginine 1957 with histidine.
Molecular consequence: missense variant.
Genome position (GRCh38, 1-based): chr12:896,357, G>A. VCF-style: chr12-896357-G-A. GRCh37 (hg19) VCF-style: chr12-1005523-G-A.
Other names: p.Arg2209His; c.6650G>A, p.Arg2217His (NM_001184985.2); c.5126G>A, p.Arg1709His (NM_014823.3); c.6626G>A, p.Arg2209His (NM_213655.5); c.5870G>A (NM_018979.3); short protein forms R1709H, R2209H, R2217H, R1957H.
Identifiers: ClinVar variation 1425956 (VCV001425956.13), dbSNP rs36083875, ClinGen allele CA6383296.